The following is an entry in ClinVar:

NM_000303.3(PMM2):c.*43T>C

Gene: PMM2 (phosphomannomutase 2; plus strand). Cytogenetic location: 16p13.2.
Variant type: single nucleotide variant.
Coding change: c.*43T>C on transcript NM_000303.3 (MANE Select); 43 bases downstream of the stop codon, T replaced by C.
Molecular consequence: 3 prime UTR variant.
Genome position (GRCh38, 1-based): chr16:8,847,868, T>C. VCF-style: chr16-8847868-T-C. GRCh37 (hg19) VCF-style: chr16-8941725-T-C.
Identifiers: ClinVar variation 4998222 (VCV004998222.1).

ClinVar aggregate classification (germline): Likely benign (1 of 4 stars; one submission).

Conditions:
PMM2-related disorder. Also called: PMM2-related condition.

gnomAD v4.1: 5 of 1,477,946 alleles (0.00034%); highest among the groups gnomAD compares: South Asian, 0.0023%; no homozygotes.

Submission:

PreventionGenetics, part of Exact Sciences
Classification: Likely benign for PMM2-related condition. Last evaluated: 2024-12-30. Review status: criteria provided, single submitter. Criteria: ACMG Guidelines, 2015. Collection method: clinical testing. Allele origin: germline.
Comment: This variant is classified as likely benign based on ACMG/AMP sequence variant interpretation guidelines (Richards et al. 2015 PMID: 25741868, with internal and published modifications).